The following is an entry in ClinVar:

ClinVar aggregate classification (germline): Likely benign. Review status: criteria provided, multiple submitters, no conflicts (2 of 4 stars). 2 submissions from 2 submitters: Likely benign (2). Last evaluated 2026-06-18.

Conditions:
Retinoblastoma (RB1). Also called: RETINOBLASTOMA, SOMATIC. Identifiers: Orphanet 790, MedGen C0035335, MeSH D012175, MONDO:0008380, OMIM 180200, HP:0009919. Disease mechanism: loss of function. Inheritance: Both sporadic and heritable forms are tested..

Allele frequency attached by ClinVar (database versions not stated): gnomAD exomes below 0.00001; TOPMed 0.00001.
gnomAD v4.1: 1 of 1,613,384 alleles (0.000062%); highest among the groups gnomAD compares: African/African-American, 0.0013%; no homozygotes.

Submissions (2):

Myriad Genetics, Inc.
Classification: Likely benign for Retinoblastoma. Last evaluated: 2026-06-18. Review status: criteria provided, single submitter. Criteria: Myriad Autosomal Dominant, Autosomal Recessive and X-Linked Classification Criteria (2023). Collection method: clinical testing. Allele origin: unknown.
Comment: This variant is considered likely benign. This variant is intronic and is not expected to impact mRNA splicing.

Labcorp Genetics (formerly Invitae), Labcorp
Classification: Likely benign for Retinoblastoma. Last evaluated: 2025-05-15. Review status: criteria provided, single submitter. Criteria: Invitae Variant Classification Sherloc (09022015). Collection method: clinical testing. Allele origin: germline.

NM_000321.3(RB1):c.1216-8T>C

Gene: RB1 (RB transcriptional corepressor 1; plus strand). Cytogenetic location: 13q14.2.
Variant type: single nucleotide variant.
Coding change: c.1216-8T>C on transcript NM_000321.3 (MANE Select); 8 bases into the intron before coding-DNA position 1216, T replaced by C.
Molecular consequence: intron variant.
Genome position (GRCh38, 1-based): chr13:48,376,910, T>C. VCF-style: chr13-48376910-T-C. GRCh37 (hg19) VCF-style: chr13-48951046-T-C.
Identifiers: ClinVar variation 1143679 (VCV001143679.10), dbSNP rs1218088810, ClinGen allele CA698673388.